The following is an entry in ClinVar:

ClinVar aggregate classification (germline): Benign (1 of 4 stars; one submission).

Conditions:
Juvenile polyposis/hereditary hemorrhagic telangiectasia syndrome (JPHT). Also called: JP/HHT SYNDROME; JUVENILE POLYPOSIS WITH HEREDITARY HEMORRHAGIC TELANGIECTASIA; POLYPOSIS, GENERALIZED JUVENILE, WITH PULMONARY ARTERIOVENOUS MALFORMATION; TELANGIECTASIA, HEREDITARY HEMORRHAGIC, WITH JUVENILE POLYPOSIS COLI; Juvenile Polyposis Syndrome / Hereditary Hemorrhagic Telangiectasia (JPS/HHT). Identifiers: Orphanet 2929, MedGen C1832942, MONDO:0008278, OMIM 175050.

Submission:

Myriad Genetics, Inc.
Classification: Benign for Juvenile polyposis/hereditary hemorrhagic telangiectasia syndrome. Last evaluated: 2025-03-24. Review status: criteria provided, single submitter. Criteria: Myriad Autosomal Dominant, Autosomal Recessive and X-Linked Classification Criteria (2023). Collection method: clinical testing. Allele origin: unknown.
Comment: This variant is considered benign. This variant is a silent/synonymous amino acid change and it is not expected to impact splicing.

NM_005359.6(SMAD4):c.1383G>A (p.Gln461=)

Gene: SMAD4 (SMAD family member 4; plus strand). Cytogenetic location: 18q21.2.
Variant type: single nucleotide variant.
Coding change: c.1383G>A on transcript NM_005359.6 (MANE Select); coding-DNA position 1383, G replaced by A.
Protein change: p.Gln461=; no amino-acid change (glutamine 461 retained).
Molecular consequence: synonymous variant. On other transcripts: non-coding transcript variant (1).
Genome position (GRCh38, 1-based): chr18:51,076,712, G>A. VCF-style: chr18-51076712-G-A. GRCh37 (hg19) VCF-style: chr18-48603082-G-A.
Other names: c.1383G>A, p.Gln461= (NM_001407041.1, NM_001407042.1).
Identifiers: ClinVar variation 3903942 (VCV003903942.1).